The following is an entry in ClinVar:

NM_152490.5(B3GALNT2):c.104G>A (p.Gly35Asp)

Gene: B3GALNT2 (beta-1,3-N-acetylgalactosaminyltransferase 2; minus strand). Cytogenetic location: 1q42.3.
Variant type: single nucleotide variant.
Coding change: c.104G>A on transcript NM_152490.5 (MANE Select); coding-DNA position 104, G replaced by A.
Protein change: p.Gly35Asp; replaces glycine 35 with aspartic acid.
Molecular consequence: missense variant.
Genome position (GRCh38, 1-based): chr1:235,504,149, C>T on the plus strand (G>A on the coding strand, the complement: B3GALNT2 is on the minus strand). VCF-style: chr1-235504149-C-T. GRCh37 (hg19) VCF-style: chr1-235667449-C-T.
Other names: c.104G>A, p.Gly35Asp (NM_001277155.3); short protein forms G35D.
Identifiers: ClinVar variation 385277 (VCV000385277.2), dbSNP rs1057522172, ClinGen allele CA16603532.

ClinVar aggregate classification (germline): Uncertain significance (1 of 4 stars; one submission).

Allele frequency attached by ClinVar (database versions not stated): gnomAD 0.00001; gnomAD exomes 0.00002; 1000 Genomes Project 30x 0.00016.
gnomAD v4.1: 20 of 1,279,024 alleles (0.0016%); highest among the groups gnomAD compares: East Asian, 0.049%; no homozygotes.

Submission:

GeneDx
Classification: Uncertain significance. Last evaluated: 2016-04-08. Review status: criteria provided, single submitter. Criteria: GeneDx Variant Classification (06012015). Collection method: clinical testing. Allele origin: germline. Affected: yes.
Comment: A variant of uncertain significance has been identified in the B3GALNT2 gene. The G35D variant has not been published as a pathogenic variant, nor has it been reported as a benign variant to our knowledge. It was not observed in approximately 900 individuals of European and African American ancestry in the NHLBI Exome Sequencing Project. The G35D variant is a non-conservative amino acid substitution, which is likely to impact secondary protein structure as these residues differ in polarity, charge, size and/or other properties. However, this substitution occurs at a position that is not conserved. In silico analysis predicts this variant likely does not alter the protein structure/function. Therefore, based on the currently available information, it is unclear whether this variant is a pathogenic variant or a rare benign variant.